The following is an entry in ClinVar:

NM_001276270.2(MBD4):c.715A>G (p.Lys239Glu)

Gene: MBD4 (methyl-CpG binding domain 4, DNA glycosylase; minus strand). Cytogenetic location: 3q21.3.
Variant type: single nucleotide variant.
Coding change: c.715A>G on transcript NM_001276270.2 (MANE Select); coding-DNA position 715, A replaced by G.
Protein change: p.Lys239Glu; replaces lysine 239 with glutamic acid.
Molecular consequence: missense variant. On other transcripts: intron variant (1).
Genome position (GRCh38, 1-based): chr3:129,436,929, T>C on the plus strand (A>G on the coding strand, the complement: MBD4 is on the minus strand). VCF-style: chr3-129436929-T-C. GRCh37 (hg19) VCF-style: chr3-129155772-T-C.
Other names: c.715A>G, p.Lys239Glu (NM_001276271.2, NM_001276272.2, NM_003925.3); c.247+879A>G (NM_001276273.2); short protein forms K239E.
Identifiers: ClinVar variation 2155201 (VCV002155201.5), dbSNP rs547380571, ClinGen allele CA2605480.
Genomic context (GRCh38, chr3:129,436,929, plus strand): 5'-GAACAAAACCTGAACAGCTCTTCCTACATCCTTTTTTAGTTTTCTTAATTGGGATTCCTT[T>C]CAAAATAGTCACCTTTCCTTTGGGCTTTCTAACCTTTCTGAAGTTAACATCATCAACACC-3'
Protein context (NP_001263199.1, residues 229-249): RKPKGKVTIL[Lys239Glu]GIPIKKTKKG

ClinVar aggregate classification (germline): Uncertain significance. Review status: criteria provided, multiple submitters, no conflicts (2 of 4 stars). 2 submissions from 2 submitters: Uncertain significance (2). Last evaluated 2025-10-29.

Conditions:
Inborn genetic diseases. Identifiers: MedGen C0950123, MeSH D030342.

Allele frequency attached by ClinVar (database versions not stated): TOPMed 0.00002; gnomAD exomes 0.00006; gnomAD 0.00008; ExAC 0.00011; 1000 Genomes Project 0.00020; 1000 Genomes Project 30x 0.00031.

Submissions (2):

Labcorp Genetics (formerly Invitae), Labcorp
Classification: Uncertain significance. Last evaluated: 2025-10-29. Review status: criteria provided, single submitter. Criteria: Invitae Variant Classification Sherloc (09022015). Collection method: clinical testing. Allele origin: germline.
Comment: This sequence change replaces lysine, which is basic and polar, with glutamic acid, which is acidic and polar, at codon 239 of the MBD4 protein (p.Lys239Glu). This variant is present in population databases (rs547380571, gnomAD 0.06%). This variant has not been reported in the literature in individuals affected with MBD4-related conditions. ClinVar contains an entry for this variant (Variation ID: 2155201). An algorithm developed to predict the effect of missense changes on protein structure and function (PolyPhen-2) suggests that this variant is likely to be tolerated. In summary, the available evidence is currently insufficient to determine the role of this variant in disease. Therefore, it has been classified as a Variant of Uncertain Significance.

Ambry Genetics
Classification: Uncertain significance for Inborn genetic diseases. Last evaluated: 2025-02-16. Review status: criteria provided, single submitter. Criteria: Ambry Variant Classification Scheme 2023. Collection method: clinical testing. Allele origin: germline.
Comment: The p.K239E variant (also known as c.715A>G), located in coding exon 3 of the MBD4 gene, results from an A to G substitution at nucleotide position 715. The lysine at codon 239 is replaced by glutamic acid, an amino acid with similar properties. This amino acid position is conserved. In addition, the in silico prediction for this alteration is inconclusive. Based on the available evidence, the clinical significance of this variant remains unclear.